The following is an entry in ClinVar:

NM_000632.4(ITGAM):c.208A>T (p.Thr70Ser)

Genes: ITGAM (integrin subunit alpha M; plus strand), LOC126862331 (P300/CBP strongly-dependent group 1 enhancer GRCh37_chr16:31276375-31277574; plus strand). Cytogenetic location: 16p11.2.
Variant type: single nucleotide variant.
Coding change: c.208A>T on transcript NM_000632.4 (MANE Select); coding-DNA position 208, A replaced by T.
Protein change: p.Thr70Ser; replaces threonine 70 with serine.
Molecular consequence: missense variant.
Genome position (GRCh38, 1-based): chr16:31,265,468, A>T. VCF-style: chr16-31265468-A-T. GRCh37 (hg19) VCF-style: chr16-31276789-A-T.
Other names: c.208A>T, p.Thr70Ser (NM_001145808.2); short protein forms T70S.
Identifiers: ClinVar variation 4718624 (VCV004718624.1).

ClinVar aggregate classification (germline): Uncertain significance (1 of 4 stars; one submission).

Submission:

Labcorp Genetics (formerly Invitae), Labcorp
Classification: Uncertain significance. Last evaluated: 2025-05-21. Review status: criteria provided, single submitter. Criteria: Invitae Variant Classification Sherloc (09022015). Collection method: clinical testing. Allele origin: germline.
Comment: This sequence change replaces threonine, which is neutral and polar, with serine, which is neutral and polar, at codon 70 of the ITGAM protein (p.Thr70Ser). This variant is not present in population databases (gnomAD no frequency). This variant has not been reported in the literature in individuals affected with ITGAM-related conditions. An algorithm developed to predict the effect of missense changes on protein structure and function outputs the following: PolyPhen-2: "Benign". The serine amino acid residue is found in multiple mammalian species, which suggests that this missense change does not adversely affect protein function. In summary, the available evidence is currently insufficient to determine the role of this variant in disease. Therefore, it has been classified as a Variant of Uncertain Significance.